The following is an entry in ClinVar:

ClinVar aggregate classification (germline): Uncertain significance. Review status: criteria provided, multiple submitters, no conflicts (2 of 4 stars). 5 submissions from 5 submitters: Uncertain significance (3). 2 of the submissions do not count toward it. Last evaluated 2023-05-20.

Conditions:
Charcot-Marie-Tooth disease type 4J (CMT4J). Also called: Charcot-Marie-Tooth Neuropathy Type 4J; CHARCOT-MARIE-TOOTH DISEASE, AUTOSOMAL RECESSIVE, TYPE 4J; CHARCOT-MARIE-TOOTH DISEASE, DEMYELINATING, TYPE 4J. Identifiers: Orphanet 139515, MedGen C1970011, MONDO:0012640, OMIM 611228.
Charcot-Marie-Tooth disease. Also called: Charcot-Marie-Tooth Neuropathy; Charcot-Marie-Tooth Hereditary Neuropathy. Identifiers: Orphanet 166, MedGen C0007959, MONDO:0015626.
Charcot-Marie-Tooth disease type 4. Also called: Charcot-Marie-Tooth, Type 4; Charcot-Marie-Tooth disease, type IV. Identifiers: Orphanet 64749, MedGen C4082197, MONDO:0018995.

Allele frequency attached by ClinVar (database versions not stated): gnomAD 0.00001; gnomAD exomes 0.00001 and 0.00002; ExAC 0.00002; TOPMed 0.00002.
gnomAD v4.1: 21 of 1,613,874 alleles (0.0013%); highest among the groups gnomAD compares: Middle Eastern, 0.033%; no homozygotes.

Submissions (5):

Neuberg Centre For Genomic Medicine, NCGM
Classification: Uncertain significance for Charcot-Marie-Tooth disease type 4J. Last evaluated: 2023-05-20. Review status: criteria provided, single submitter. Criteria: ACMG Guidelines, 2015. Collection method: clinical testing. Allele origin: germline. Inheritance: Autosomal recessive inheritance. Affected: yes.
Comment: The stop gained c.2695C>T (p.Arg899Ter) variant in the FIG4 gene has been observed in individual(s) with Charcot-Marie-Tooth disease type 4J (Nicholson, Garth et al.,2011). This variant is reported with the allele frequency (0.001%) in the gnomAD Exomes. It is submitted to ClinVar as Uncertain Significance. This variant is predicted to cause loss of normal protein function through protein truncation. Computational evidence (MutationTaster - Disease causing) predicts damaging effect on protein structure and function for this variant. Loss of function variants have been previously reported to be disease causing. The nucleotide change c.2695C>T in FIG4 is predicted as conserved by GERP++ and PhyloP across 100 vertebrates. Functional studies are required to prove the pathogenicity of the variant. For these reasons, this variant has been classified as Uncertain Significance.

Labcorp Genetics (formerly Invitae), Labcorp
Classification: Uncertain significance for Charcot-Marie-Tooth disease type 4. Last evaluated: 2022-10-18. Review status: criteria provided, single submitter. Criteria: Invitae Variant Classification Sherloc (09022015). Collection method: clinical testing. Allele origin: germline.
Comment: In summary, the available evidence is currently insufficient to determine the role of this variant in disease. Therefore, it has been classified as a Variant of Uncertain Significance. Experimental studies and prediction algorithms are not available or were not evaluated, and the functional significance of this variant is currently unknown. ClinVar contains an entry for this variant (Variation ID: 476864). This premature translational stop signal has been observed in individual(s) with Charcot-Marie-Tooth disease type 4J (PMID: 21705420). This variant is present in population databases (rs750069994, gnomAD 0.006%). This sequence change creates a premature translational stop signal (p.Arg899*) in the FIG4 gene. While this is not anticipated to result in nonsense mediated decay, it is expected to disrupt the last 9 amino acid(s) of the FIG4 protein.

Athena Diagnostics
Classification: Uncertain significance. Last evaluated: 2019-06-21. Review status: criteria provided, single submitter. Criteria: Athena Diagnostics Criteria. Collection method: clinical testing. Allele origin: germline.

Inherited Neuropathy Consortium Ii, University Of Miami
Classification: Uncertain significance for Charcot-Marie-Tooth disease type 4J. Last evaluated: 2016-01-06. Review status: no assertion criteria provided. Collection method: literature only. Allele origin: germline. Affected: yes. Not counted in ClinVar's aggregate classification.

Inherited Neuropathy Consortium
Classification: Uncertain significance for Charcot-Marie-Tooth disease. Review status: no assertion criteria provided. Collection method: literature only. Allele origin: germline. Affected: yes. Not counted in ClinVar's aggregate classification.

Literature cited by the submitters: PubMed 21705420 (cited by 4 submitters).

NM_014845.6(FIG4):c.2695C>T (p.Arg899Ter)

Gene: FIG4 (FIG4 phosphoinositide 5-phosphatase; plus strand). Cytogenetic location: 6q21.
Variant type: single nucleotide variant.
Coding change: c.2695C>T on transcript NM_014845.6 (MANE Select); coding-DNA position 2695, C replaced by T.
Protein change: p.Arg899Ter; replaces arginine 899 with a stop codon.
Molecular consequence: nonsense.
Genome position (GRCh38, 1-based): chr6:109,825,236, C>T. VCF-style: chr6-109825236-C-T. GRCh37 (hg19) VCF-style: chr6-110146439-C-T.
Other names: short protein forms R899*.
Identifiers: ClinVar variation 476864 (VCV000476864.8), dbSNP rs750069994, ClinGen allele CA3956486.